The following is an entry in ClinVar:

NM_004239.4(TRIP11):c.-331C>G

Gene: TRIP11 (thyroid hormone receptor interactor 11; minus strand). Cytogenetic location: 14q32.12.
Variant type: single nucleotide variant.
Coding change: c.-331C>G on transcript NM_004239.4 (MANE Select); 331 bases upstream of the start codon, C replaced by G.
Molecular consequence: 5 prime UTR variant.
Genome position (GRCh38, 1-based): chr14:92,040,016, G>C on the plus strand (C>G on the coding strand, the complement: TRIP11 is on the minus strand). VCF-style: chr14-92040016-G-C. GRCh37 (hg19) VCF-style: chr14-92506360-G-C.
Other names: c.-331C>G (NM_001321851.1).
Identifiers: ClinVar variation 314990 (VCV000314990.7), dbSNP rs1955683, ClinGen allele CA10635559.

ClinVar aggregate classification (germline): Benign/Likely benign. Review status: criteria provided, multiple submitters, no conflicts (2 of 4 stars). 2 submissions from 2 submitters: Benign (1); Likely benign (1). Last evaluated 2019-05-06.

Conditions:
Achondrogenesis, type IA (ACG1A). Identifiers: Orphanet 932, Orphanet 93299, MedGen C0265273, MONDO:0008701, OMIM 200600.

Allele frequency attached by ClinVar (database versions not stated): TOPMed 0.01462; gnomAD 0.01570 and 0.01846; gnomAD exomes 0.02834; 1000 Genomes Project 30x 0.03716; 1000 Genomes Project 0.04034.
gnomAD v4.1: 10,546 of 429,636 alleles (2.5%); highest among the groups gnomAD compares: East Asian, 8.7%; 294 homozygotes.

Submissions (2):

GeneDx
Classification: Likely benign. Last evaluated: 2019-05-06. Review status: criteria provided, single submitter. Criteria: GeneDx Variant Classification Process June 2021. Collection method: clinical testing. Allele origin: germline. Affected: yes.

Illumina Laboratory Services, Illumina
Classification: Benign for Achondrogenesis, type IA. Last evaluated: 2018-01-13. Review status: criteria provided, single submitter. Criteria: ICSL Variant Classification Criteria 13 December 2019. Collection method: clinical testing. Allele origin: germline.
Comment: This variant was observed in the ICSL laboratory as part of a predisposition screen in an ostensibly healthy population. It had not been previously curated by ICSL or reported in the Human Gene Mutation Database (HGMD: prior to June 1st, 2018), and was therefore a candidate for classification through an automated scoring system. Utilizing variant allele frequency, disease prevalence and penetrance estimates, and inheritance mode, an automated score was calculated to assess if this variant is too frequent to cause the disease. Based on the score and internal cut-off values, a variant classified as benign is not then subjected to further curation. The score for this variant resulted in a classification of benign for this disease.